The following is an entry in ClinVar:

ClinVar aggregate classification (germline): Pathogenic/Likely pathogenic. Review status: criteria provided, multiple submitters, no conflicts (2 of 4 stars). 5 submissions from 5 submitters: Pathogenic (4); Likely pathogenic (1). Last evaluated 2025-07-07.

Conditions:
Inborn genetic diseases. Identifiers: MedGen C0950123, MeSH D030342.
Developmental and epileptic encephalopathy, 11 (DEE11). Also called: Early infantile epileptic encephalopathy 11. Identifiers: Orphanet 1934, MedGen C3150987, MONDO:0013388, OMIM 613721.
SCN2A-related disorder. Also called: SCN2A-related condition; SCN2A-related disorders. Identifiers: MedGen CN382226, MONDO:1060245.
Seizures, benign familial infantile, 3 (BFIS3). Also called: CONVULSIONS, BENIGN FAMILIAL INFANTILE, 3; Familial neonatal seizures. Identifiers: Orphanet 140927, Orphanet 306, MedGen C1843140, MONDO:0011904, OMIM 607745.

Submissions (5):

Institute of Human Genetics, University of Leipzig Medical Center
Classification: Pathogenic for Developmental and epileptic encephalopathy, 11. Last evaluated: 2025-07-07. Review status: criteria provided, single submitter. Criteria: ACMG Guidelines, 2015. Collection method: clinical testing. Allele origin: unknown. Inheritance: Autosomal dominant inheritance. Affected: yes.
Comment: Criteria applied: PS2,PS1_MOD,PS4_MOD,PP3_MOD,PM2_SUP,PM5_SUP

Mayo Clinic Laboratories, Mayo Clinic
Classification: Pathogenic. Last evaluated: 2020-06-17. Review status: criteria provided, single submitter. Criteria: ACMG Guidelines, 2015. Collection method: clinical testing. Allele origin: germline. Observed: 1 variant allele.
Comment: PS1, PS2, PM2, PP2

Rady Children's Institute for Genomic Medicine, Rady Children's Hospital San Diego
Classification: Pathogenic for SCN2A-Related Disorders. Last evaluated: 2020-06-16. Review status: criteria provided, single submitter. Criteria: ACMG Guidelines, 2015. Collection method: clinical testing. Allele origin: germline. Affected: yes.
Comment: This variant has been previously reported as a de novo heterozygous change in an individual with refractory seizures and severe axial hypotonia (PMID: 30415926). In addition, a different de novo heterozygous variant at the same nucleotide resulting in the same amino acid change, c.408G>T (p.Met136Ile), has been previously reported in an individual with early onset epileptic encephalopathy evolving to infantile spasms (PMID: 23708187). It is absent from the gnomAD population database and thus is presumed to be rare. The c.408G>A (p.Met136Ile) variant affects a highly conserved amino acid and is predicted by multiple in silico tools to have a deleterious effect on protein function. Analysis of the parental samples was negative for the variant, indicating this variant likely occurred as a de novo event. Based on the available evidence, the c.408G>A (p.Met136Ile) variant is classified as Pathogenic.

Labcorp Genetics (formerly Invitae), Labcorp
Classification: Pathogenic for Seizures, benign familial infantile, 3; Developmental and epileptic encephalopathy, 11. Last evaluated: 2020-06-06. Review status: criteria provided, single submitter. Criteria: Invitae Variant Classification Sherloc (09022015). Collection method: clinical testing. Allele origin: germline.
Comment: This sequence change replaces methionine with isoleucine at codon 136 of the SCN2A protein (p.Met136Ile). The methionine residue is highly conserved and there is a small physicochemical difference between methionine and isoleucine. This variant is not present in population databases (ExAC no frequency). This missense change has been observed in individual(s) with epilepsy (PMID: 30415926, 26291284, 23708187). In at least one individual the variant was observed to be de novo. Algorithms developed to predict the effect of missense changes on protein structure and function are either unavailable or do not agree on the potential impact of this missense change (SIFT: "Deleterious"; PolyPhen-2: "Benign"; Align-GVGD: "Class C0"). For these reasons, this variant has been classified as Pathogenic.

Ambry Genetics
Classification: Likely pathogenic for Inborn genetic diseases. Last evaluated: 2019-04-14. Review status: criteria provided, single submitter. Criteria: Ambry Variant Classification Scheme 2023. Collection method: clinical testing. Allele origin: germline.
Comment: The p.M136I variant (also known as c.408G>A), located in coding exon 3 of the SCN2A gene, results from a G to A substitution at nucleotide position 408. The methionine at codon 136 is replaced by isoleucine, an amino acid with highly similar properties. This variant was identified to occur de novo in an infant with Ohtahara syndrome and axial hypotonia (Turkdogan D et al. Brain Dev., 2019 Apr;41:389-391). This amino acid position is highly conserved in available vertebrate species. In addition, this alteration is predicted to be deleterious by in silico analysis. Based on the majority of available evidence to date, this variant is likely to be pathogenic.

Literature cited by the submitters: PubMed 30415926 (cited by 3 submitters); PubMed 23708187 (cited by 3 submitters); PubMed 28379373 (cited by Mayo Clinic Laboratories, Mayo Clinic and Ambry Genetics); PubMed 24579881 (cited by Mayo Clinic Laboratories, Mayo Clinic and Ambry Genetics); PubMed 26291284 (cited by 3 submitters).

NM_001040142.2(SCN2A):c.408G>A (p.Met136Ile)

Gene: SCN2A (sodium voltage-gated channel alpha subunit 2; plus strand). Cytogenetic location: 2q24.3.
Variant type: single nucleotide variant.
Coding change: c.408G>A on transcript NM_001040142.2 (MANE Select); coding-DNA position 408, G replaced by A.
Protein change: p.Met136Ile; replaces methionine 136 with isoleucine.
Molecular consequence: missense variant.
Genome position (GRCh38, 1-based): chr2:165,307,869, G>A. VCF-style: chr2-165307869-G-A. GRCh37 (hg19) VCF-style: chr2-166164379-G-A.
Other names: c.408G>A, p.Met136Ile (NM_001040143.2, NM_001371246.1, NM_001371247.1 and 1 more transcripts); short protein forms M136I.
Identifiers: ClinVar variation 985353 (VCV000985353.18), dbSNP rs1697221269, ClinGen allele CA349014972.
Genomic context (GRCh38, chr2:165,307,869, plus strand): 5'-TTTTTCCATTGAACTTTGTCTTCCTTGACGATATTCTACTTTATTCAATATGCTCATTAT[G>A]TGCACGATTCTTACCAACTGTGTATTTATGACCATGAGTAACCCTCCAGACTGGACAAAG-3'
Protein context (NP_001035232.1, residues 126-146): LVHSLFNMLI[Met136Ile]CTILTNCVFM